The following is an entry in ClinVar:

NM_018489.3(ASH1L):c.1550C>T (p.Ser517Leu)

Gene: ASH1L (ASH1 like histone lysine methyltransferase; minus strand). Cytogenetic location: 1q22.
Variant type: single nucleotide variant.
Coding change: c.1550C>T on transcript NM_018489.3 (MANE Select); coding-DNA position 1550, C replaced by T.
Protein change: p.Ser517Leu; replaces serine 517 with leucine.
Molecular consequence: missense variant.
Genome position (GRCh38, 1-based): chr1:155,481,320, G>A on the plus strand (C>T on the coding strand, the complement: ASH1L is on the minus strand). VCF-style: chr1-155481320-G-A. GRCh37 (hg19) VCF-style: chr1-155451111-G-A.
Other names: c.1550C>T, p.Ser517Leu (NM_001366177.2); short protein forms S517L.
Identifiers: ClinVar variation 2585080 (VCV002585080.1), dbSNP rs2527195747, ClinGen allele CA342732800.

ClinVar aggregate classification (germline): Uncertain significance (1 of 4 stars; one submission).

Conditions:
Intellectual developmental disorder, autosomal dominant 52. Also called: Mental retardation, autosomal dominant 52; Intellectual disability, autosomal dominant 52. Identifiers: MedGen C4540478, MONDO:0030918, OMIM 617796.

Allele frequency attached by ClinVar (database versions not stated): gnomAD exomes below 0.00001.
gnomAD v4.1: 3 of 1,614,108 alleles (0.00019%); highest among the groups gnomAD compares: Non-Finnish European, 0.00025%; no homozygotes.

Submission:

Neuberg Centre For Genomic Medicine, NCGM
Classification: Uncertain significance for Intellectual developmental disorder, autosomal dominant 52. Review status: criteria provided, single submitter. Criteria: ACMG Guidelines, 2015. Collection method: clinical testing. Allele origin: germline. Inheritance: Autosomal dominant inheritance. Affected: yes.
Comment: The c.1550C>T (p.Ser517Leu) missense variant in ASH1L gene has not been reported previously as a pathogenic variant nor as a benign variant, to our knowledge. The p.Ser517Leu variant is novel (not in any individuals) in gnomAD Exomes and 1000 Genomes. The amino acid Ser at position 517 is changed to a Leu changing protein sequence and it might alter its composition and physico-chemical properties. The amino acid change p.Ser517Leu in ASH1L is predicted as conserved by GERP++ and PhyloP across 100 vertebrates. For these reasons, this variant has been classified as Variant of Uncertain Significance (VUS).